The following is an entry in ClinVar:

Conditions:
Arteriohepatic dysplasia. Also called: Alagille Syndrome. Identifiers: Orphanet 52, MedGen C0085280, MeSH D016738, MONDO:0007318.

Submission:

Gilbert/Spinner Lab, Children's Hospital of Philadelphia
No classification provided (evidence only). Condition: Alagille syndrome. Review status: no classification provided. Collection method: research. Allele origin: not applicable. Functional consequence: functionally_abnormal.
ClinVar note: "not provided" was previously submitted as the classification for the variant. However, the classification appeared to be based only on an observation of functional data so it was converted to no classification on 2025-07-30.

NM_000214.3(JAG1):c.904A>C (p.Thr302Pro)

Gene: JAG1 (jagged canonical Notch ligand 1; minus strand). Cytogenetic location: 20p12.2.
Variant type: single nucleotide variant.
Coding change: c.904A>C on transcript NM_000214.3 (MANE Select); coding-DNA position 904, A replaced by C.
Protein change: p.Thr302Pro; replaces threonine 302 with proline.
Molecular consequence: missense variant.
Genome position (GRCh38, 1-based): chr20:10,652,233, T>G on the plus strand (A>C on the coding strand, the complement: JAG1 is on the minus strand). VCF-style: chr20-10652233-T-G. GRCh37 (hg19) VCF-style: chr20-10632881-T-G.
Other names: short protein forms T302P.
Identifiers: ClinVar variation 3573405 (VCV003573405.2).
Genomic context (GRCh38, chr20:10,652,233, plus strand): 5'-ACTGATATTTGTCAGGGCCTGTGTTGCTACAAGTTCCCCCGTTGAGACACGGCTGATGAG[T>G]CCCACAGTAATTGAGATCTGCCAAAAAGATCCTGGAGTCACTAAGAGACGCCTGTGAAGA-3'
Protein context (NP_000205.1, residues 292-312): LCDKDLNYCG[Thr302Pro]HQPCLNGGTC